The following is an entry in ClinVar:

NM_024577.4(SH3TC2):c.*7451C>T

Gene: SH3TC2 (SH3 domain and tetratricopeptide repeats 2; minus strand). Cytogenetic location: 5q32.
Variant type: single nucleotide variant.
Coding change: c.*7451C>T on transcript NM_024577.4 (MANE Select); 7451 bases downstream of the stop codon, C replaced by T.
Molecular consequence: 3 prime UTR variant.
Genome position (GRCh38, 1-based): chr5:148,997,260, G>A on the plus strand (C>T on the coding strand, the complement: SH3TC2 is on the minus strand). VCF-style: chr5-148997260-G-A. GRCh37 (hg19) VCF-style: chr5-148376823-G-A.
Identifiers: ClinVar variation 907747 (VCV000907747.4), dbSNP rs114534145, ClinGen allele CA128990281.

ClinVar aggregate classification (germline): Benign. Review status: criteria provided, single submitter (1 of 4 stars). 2 submissions from 1 submitter: Benign (2). Last evaluated 2018-01-13.

Conditions:
Susceptibility to mononeuropathy of the median nerve, mild. Also called: CARPAL TUNNEL SYNDROME, SUSCEPTIBILITY TO. Identifiers: MedGen C3150596, MONDO:0013237, OMIM 613353.
Charcot-Marie-Tooth disease type 4C (CMT4C). Also called: CMT 4C; SH3TC2-Related Hereditary Motor and Sensory Neuropathy; Charcot-Marie-Tooth Neuropathy Type 4C (CMT4C); CHARCOT-MARIE-TOOTH DISEASE, DEMYELINATING, TYPE 4C; CHARCOT-MARIE-TOOTH DISEASE, DEMYELINATING, AUTOSOMAL RECESSIVE, TYPE 4C. Identifiers: Orphanet 99949, MedGen C1866636, MONDO:0011113, OMIM 601596.

Allele frequency attached by ClinVar (database versions not stated): 1000 Genomes Project 0.00799; 1000 Genomes Project 30x 0.00874; TOPMed 0.00895.
gnomAD v4.1: 1,228 of 152,280 alleles (0.81%); highest among the groups gnomAD compares: African/African-American, 2.6%; 13 homozygotes.

Submissions (2):

Illumina Laboratory Services, Illumina
Classification: Benign for Susceptibility to mononeuropathy of the median nerve, mild. Last evaluated: 2018-01-13. Review status: criteria provided, single submitter. Criteria: ICSL Variant Classification Criteria 13 December 2019. Collection method: clinical testing. Allele origin: germline.
Comment: This variant was observed in the ICSL laboratory as part of a predisposition screen in an ostensibly healthy population. It had not been previously curated by ICSL or reported in the Human Gene Mutation Database (HGMD: prior to June 1st, 2018), and was therefore a candidate for classification through an automated scoring system. Utilizing variant allele frequency, disease prevalence and penetrance estimates, and inheritance mode, an automated score was calculated to assess if this variant is too frequent to cause the disease. Based on the score and internal cut-off values, a variant classified as benign is not then subjected to further curation. The score for this variant resulted in a classification of benign for this disease.

Illumina Laboratory Services, Illumina
Classification: Benign for Charcot-Marie-Tooth disease type 4C. Last evaluated: 2018-01-13. Review status: criteria provided, single submitter. Criteria: ICSL Variant Classification Criteria 13 December 2019. Collection method: clinical testing. Allele origin: germline.
Comment: the same text as in the submission from Illumina Laboratory Services, Illumina above.